The following is an entry in ClinVar:

ClinVar aggregate classification (germline): Likely pathogenic (1 of 4 stars; one submission).

Conditions:
Immunodeficiency, common variable, 2 (CVID2). Also called: ANTIBODY DEFICIENCY DUE TO TACI DEFECT; HYPOGAMMAGLOBULINEMIA DUE TO TACI DEFICIENCY. Identifiers: Orphanet 1572, MedGen C3150354, MONDO:0009413, OMIM 240500.
Immunoglobulin A deficiency 2 (IGAD2). Identifiers: MedGen C1836032, MONDO:0012291, OMIM 609529.

Submission:

Juno Genomics, Hangzhou Juno Genomics, Inc
Classification: Likely pathogenic for Immunodeficiency, common variable, 2; Immunoglobulin A deficiency 2. Review status: criteria provided, single submitter. Criteria: ACMG Guidelines, 2015. Collection method: clinical testing. Allele origin: germline.
Comment: Null variant in a gene where loss of function (LOF) is a known mechanism of disease.;Absent from controls (or at extremely low frequency if recessive) in Genome Aggregation Database.

NM_012452.3(TNFRSF13B):c.306del (p.Phe103fs)

Gene: TNFRSF13B (TNF receptor superfamily member 13B; minus strand). Cytogenetic location: 17p11.2.
Variant type: Deletion.
Coding change: c.306del on transcript NM_012452.3 (MANE Select); coding-DNA position 306, one base deleted (C; older notation c.306delC).
Protein change: p.Phe103fs; shifts the reading frame from phenylalanine 103.
Molecular consequence: frameshift variant.
Genome position (GRCh38, 1-based): chr17:16,948,877, G deleted on the plus strand (C on the coding strand, the reverse complement: TNFRSF13B is on the minus strand). VCF-style (leftmost placement, unchanged base first): chr17-16948876-AG-A. GRCh37 (hg19) VCF-style: chr17-16852190-AG-A.
Other names: short protein forms F103fs.
Identifiers: ClinVar variation 5005697 (VCV005005697.2).
Genomic context (GRCh38, chr17:16,948,876, plus strand): 5'-TCCGCTGTCTCCTGAGCTCTGGTGGAAGGTTCACTGGGCTCCTGAGCTTGTTCTCACAGA[AG>A]TATGCACATTGCTTAGGGTGCTGTCCACAGATGGAGGCACAGCTGATGCAGTCCCTCAGG-3'